The following is an entry in ClinVar:

ClinVar aggregate classification (germline): Likely benign. Review status: criteria provided, single submitter (1 of 4 stars). 2 submissions from 2 submitters: Likely benign (1). 1 of the submissions does not count toward it. Last evaluated 2025-09-22.

Conditions:
VAC14-related disorder. Also called: VAC14-related condition.

Allele frequency attached by ClinVar (database versions not stated): ExAC 0.00003; gnomAD 0.00005; gnomAD exomes 0.00005; TOPMed 0.00005; ESP Exome Variant Server 0.00031.
gnomAD v4.1: 76 of 1,613,876 alleles (0.0047%); highest among the groups gnomAD compares: Non-Finnish European, 0.0064%; no homozygotes.

Submissions (2):

Labcorp Genetics (formerly Invitae), Labcorp
Classification: Likely benign. Last evaluated: 2025-09-22. Review status: criteria provided, single submitter. Criteria: Invitae Variant Classification Sherloc (09022015). Collection method: clinical testing. Allele origin: germline.

PreventionGenetics, part of Exact Sciences
Classification: Likely benign for VAC14-related condition. Last evaluated: 2020-01-16. Review status: no assertion criteria provided. Collection method: clinical testing. Allele origin: germline. Not counted in ClinVar's aggregate classification.
Comment: This variant is classified as likely benign based on ACMG/AMP sequence variant interpretation guidelines (Richards et al. 2015 PMID: 25741868, with internal and published modifications).

NM_018052.5(VAC14):c.840C>T (p.Cys280=)

Gene: VAC14 (VAC14 component of PIKFYVE complex; minus strand). Cytogenetic location: 16q22.1.
Variant type: single nucleotide variant.
Coding change: c.840C>T on transcript NM_018052.5 (MANE Select); coding-DNA position 840, C replaced by T.
Protein change: p.Cys280=; no amino-acid change (cysteine 280 retained).
Molecular consequence: synonymous variant.
Genome position (GRCh38, 1-based): chr16:70,781,975, G>A on the plus strand (C>T on the coding strand, the complement: VAC14 is on the minus strand). VCF-style: chr16-70781975-G-A. GRCh37 (hg19) VCF-style: chr16-70815878-G-A.
Other names: c.840C>T (NM_018052.3); c.138C>T, p.Cys46= (NM_001351157.2).
Identifiers: ClinVar variation 2414852 (VCV002414852.9), dbSNP rs138355553, ClinGen allele CA8147925.
Genomic context (GRCh38, chr16:70,781,975, plus strand): 5'-GATCCCGGAGGAGTAAGGCAGCATGACGCGGCCCGCCAGCTGGATGAACTCCCGCATCCA[G>A]CACATGGCTGTCAGCTGGATGAGGTCATCTGGAAGGGGAATCAGGGGGTTCAGAGGGGCC-3'
Protein context (NP_060522.3, residues 270-290): TDDLIQLTAM[Cys280=]WMREFIQLAG